The following is an entry in ClinVar:

ClinVar aggregate classification (germline): Uncertain significance. Review status: criteria provided, multiple submitters, no conflicts (2 of 4 stars). 3 submissions from 3 submitters: Uncertain significance (3). Last evaluated 2025-08-17.

Conditions:
Hereditary cancer-predisposing syndrome. Also called: Hereditary Cancer Syndrome; Hereditary neoplastic syndrome; Neoplastic Syndromes, Hereditary; Tumor predisposition. Identifiers: Orphanet 140162, MedGen C0027672, MeSH D009386, MONDO:0015356.

Allele frequency attached by ClinVar (database versions not stated): gnomAD exomes below 0.00001.
gnomAD v4.1: 1 of 1,598,964 alleles (0.000063%); highest among the groups gnomAD compares: South Asian, 0.0011%; no homozygotes.

Submissions (3):

Labcorp Genetics (formerly Invitae), Labcorp
Classification: Uncertain significance. Last evaluated: 2025-08-17. Review status: criteria provided, single submitter. Criteria: Invitae Variant Classification Sherloc (09022015). Collection method: clinical testing. Allele origin: germline.
Comment: This sequence change falls in intron 2 of the NTHL1 gene. It does not directly change the encoded amino acid sequence of the NTHL1 protein. It affects a nucleotide within the consensus splice site. The frequency data for this variant in the population databases is considered unreliable, as metrics indicate poor data quality at this position in the gnomAD database. This variant has not been reported in the literature in individuals affected with NTHL1-related conditions. ClinVar contains an entry for this variant (Variation ID: 1063281). Variants that disrupt the consensus splice site are a relatively common cause of aberrant splicing (PMID: 17576681, 9536098). Algorithms developed to predict the effect of sequence changes on RNA splicing suggest that this variant may disrupt the consensus splice site. In summary, the available evidence is currently insufficient to determine the role of this variant in disease. Therefore, it has been classified as a Variant of Uncertain Significance.

Ambry Genetics
Classification: Uncertain significance for Hereditary cancer-predisposing syndrome. Last evaluated: 2024-01-29. Review status: criteria provided, single submitter. Criteria: Ambry Variant Classification Scheme 2023. Collection method: clinical testing. Allele origin: germline.
Comment: The c.379-3C>T intronic variant results from a C to T substitution 3 nucleotides upstream from coding exon 3 in the NTHL1 gene. This nucleotide position is well conserved in available vertebrate species. In silico splice site analysis for this alteration is inconclusive. Based on the available evidence, the clinical significance of this alteration remains unclear.

Sema4
Classification: Uncertain significance for Hereditary cancer-predisposing syndrome. Last evaluated: 2021-09-30. Review status: criteria provided, single submitter. Criteria: Sema4 Curation Guidelines. Collection method: curation. Allele origin: germline.
Comment: The NTHL1 c.379-3C>T variant has not been reported in the literature to our knowledge. This variant was observed in 1/28930 chromosomes in the South Asian (SAS) population according to the Genome Aggregation Database (PMID: 32461654), and has been reported in ClinVar (Variation ID: 1063281). In silico tools suggest the variant may create a cryptic splice donor site, though these predictions have not been confirmed by functional studies. The evidence is insufficient to meet ACMG/AMP criteria for classifying the variant as benign or pathogenic. Thus, the clinical significance of this variant is currently uncertain.

Literature cited by the submitters: PubMed 17576681 (cited by Labcorp Genetics (formerly Invitae), Labcorp); PubMed 9536098 (cited by Labcorp Genetics (formerly Invitae), Labcorp).

NM_002528.7(NTHL1):c.355-3C>T

Gene: NTHL1 (nth like DNA glycosylase 1; minus strand). Cytogenetic location: 16p13.3.
Variant type: single nucleotide variant.
Coding change: c.355-3C>T on transcript NM_002528.7 (MANE Select); 3 bases into the intron before coding-DNA position 355, C replaced by T.
Molecular consequence: intron variant.
Genome position (GRCh38, 1-based): chr16:2,044,803, G>A on the plus strand (C>T on the coding strand, the complement: NTHL1 is on the minus strand). VCF-style: chr16-2044803-G-A. GRCh37 (hg19) VCF-style: chr16-2094804-G-A.
Other names: c.25-3C>T (NM_001318194.2); c.355-1077C>T (NM_001318193.2).
Identifiers: ClinVar variation 1063281 (VCV001063281.10), dbSNP rs1188936333, ClinGen allele CA620372514.